The following is an entry in ClinVar:

ClinVar aggregate classification (germline): Uncertain significance. Review status: reviewed by expert panel (3 of 4 stars). 3 submissions from 3 submitters: Uncertain significance (1). 2 of the submissions do not count toward it. Last evaluated 2024-05-01.

Conditions:
Severe combined immunodeficiency, autosomal recessive, T cell-negative, B cell-negative, NK cell-positive. Also called: SCID, T CELL-NEGATIVE, B CELL-NEGATIVE, NK CELL-POSITIVE; SCID, AR, T-cell negative, B-cell negative, NK cell-positive; Severe combined immunodeficiency due to complete RAG1/2 deficiency. Identifiers: Orphanet 331206, MedGen C1832322, MONDO:0011086, OMIM 601457.
Combined immunodeficiency with skin granulomas. Identifiers: Orphanet 157949, MedGen C2673536, MONDO:0009306, OMIM 233650.
Recombinase activating gene 2 deficiency. Also called: RAG2 deficiency. Identifiers: MedGen CN257931, MONDO:0000573.

Allele frequency attached by ClinVar (database versions not stated): ExAC 0.00001; gnomAD 0.00001; gnomAD exomes 0.00001.

Submissions (3):

ClinGen Severe Combined Immunodeficiency Variant Curation Expert Panel, ClinGen
Classification: Uncertain significance for Recombinase activating gene 2 deficiency. Last evaluated: 2024-05-01. Review status: reviewed by expert panel. Criteria: ClinGen SCID ACMG Specifications RAG2 V1.0.0. Collection method: curation. Allele origin: germline. Inheritance: Autosomal recessive inheritance.
Comment: NM_000536.4(RAG2):c.68A>G (p.Asn23Ser) is a missense variant predicted to cause substitution of Asparagine by Serine at amino acid 23.This missense variant is located in the core domain (amino acids 1-383) (PM1_supporting). The filtering allele frequency (the upper threshold of the 95% CI of 11/1180018) of the c.68A>G variant in RAG2 is 0.000004550 for European (Non-Finnish) chromosomes by gnomAD v4, which is lower than the ClinGen SCID VCEP threshold (<0.0000588) for PM2_Supporting, and therefore meets this criterion (PM2_Supporting). To our knowledge, this variant has not been reported in the literature in individuals affected with RAG2 related conditions or in functional studies. In summary, this variant meets the criteria to be classified as a variant of uncertain significance for autosomal recessive severe combined immunodeficiency due to RAG2 deficiency based on the ACMG/AMP criteria applied, as specified by the ClinGen SCID VCEP: PM1_supporting, PM2_supporting (VCEP specifications version 1).

Myriad Genetics, Inc.
Classification: Uncertain significance for Recombinase activating gene 2 deficiency. Last evaluated: 2026-06-28. Review status: criteria provided, single submitter. Criteria: Myriad Autosomal Dominant, Autosomal Recessive and X-Linked Classification Criteria (2023). Collection method: clinical testing. Allele origin: unknown. Not counted in ClinVar's aggregate classification.
Comment: NM_001243785.1(RAG2):c.68A>G(N23S) is a missense variant classified as a variant of uncertain significance in the context of severe combined immunodeficiency, RAG2-related. N23S has not been observed in cases with relevant disease. Relevant functional assessments of this variant are not available in the literature. N23S has been observed in referenced population frequency databases. In summary, there is insufficient evidence to classify NM_001243785.1(RAG2):c.68A>G(N23S) as pathogenic or benign. Please note: this variant was assessed in the context of healthy population screening.

Labcorp Genetics (formerly Invitae), Labcorp
Classification: Uncertain significance for Combined immunodeficiency with skin granulomas; Severe combined immunodeficiency, autosomal recessive, T cell-negative, B cell-negative, NK cell-positive. Last evaluated: 2021-08-28. Review status: criteria provided, single submitter. Criteria: Invitae Variant Classification Sherloc (09022015). Collection method: clinical testing. Allele origin: germline. Not counted in ClinVar's aggregate classification.
Comment: This sequence change replaces asparagine with serine at codon 23 of the RAG2 protein (p.Asn23Ser). The asparagine residue is moderately conserved and there is a small physicochemical difference between asparagine and serine. This variant is present in population databases (rs751073669, ExAC 0.002%). This variant has not been reported in the literature in individuals affected with RAG2-related conditions. Algorithms developed to predict the effect of missense changes on protein structure and function (SIFT, PolyPhen-2, Align-GVGD) all suggest that this variant is likely to be tolerated. In summary, the available evidence is currently insufficient to determine the role of this variant in disease. Therefore, it has been classified as a Variant of Uncertain Significance.

NM_000536.4(RAG2):c.68A>G (p.Asn23Ser)

Gene: RAG2 (recombination activating 2; minus strand). Cytogenetic location: 11p12.
Variant type: single nucleotide variant.
Coding change: c.68A>G on transcript NM_000536.4 (MANE Select); coding-DNA position 68, A replaced by G.
Protein change: p.Asn23Ser; replaces asparagine 23 with serine.
Molecular consequence: missense variant.
Genome position (GRCh38, 1-based): chr11:36,594,101, T>C on the plus strand (A>G on the coding strand, the complement: RAG2 is on the minus strand). VCF-style: chr11-36594101-T-C. GRCh37 (hg19) VCF-style: chr11-36615651-T-C.
Other names: NM_000536.4(RAG2):c.68A>G; p.Asn23Ser; c.68A>G, p.Asn23Ser (NM_001243785.2, NM_001243786.2); short protein forms N23S.
Identifiers: ClinVar variation 658239 (VCV000658239.7), dbSNP rs751073669, ClinGen allele CA5950626.